The following is an entry in ClinVar:

ClinVar aggregate classification (germline): Pathogenic (1 of 4 stars; one submission).

Conditions:
Dilated cardiomyopathy 1P (CMD1P). Identifiers: Orphanet 154, MedGen C1835928, MONDO:0012362, OMIM 609909.

Submission:

Labcorp Genetics (formerly Invitae), Labcorp
Classification: Pathogenic for Dilated cardiomyopathy 1P. Last evaluated: 2024-05-08. Review status: criteria provided, single submitter. Criteria: Invitae Variant Classification Sherloc (09022015). Collection method: clinical testing. Allele origin: germline.
Comment: This sequence change creates a premature translational stop signal (p.Glu2*) in the PLN gene. While this is not anticipated to result in nonsense mediated decay, it is expected to disrupt the last 51 amino acid(s) of the PLN protein. This variant is not present in population databases (gnomAD no frequency). This premature translational stop signal has been observed in individual(s) with dilated cardiomyopathy (PMID: 30638982). This variant disrupts a region of the PLN protein in which other variant(s) (p.Leu39*) have been determined to be pathogenic (PMID: 12639993, 17655857, 21167350, 25611685, 26535225, 27532257). This suggests that this is a clinically significant region of the protein, and that variants that disrupt it are likely to be disease-causing. For these reasons, this variant has been classified as Pathogenic.

Literature cited by the submitters: PubMed 30638982; PubMed 12639993; PubMed 17655857; PubMed 21167350; PubMed 25611685; PubMed 26535225; PubMed 27532257.

NM_002667.5(PLN):c.4G>T (p.Glu2Ter)

Genes: PLN (phospholamban; plus strand), CEP85L (centrosomal protein 85L; minus strand). Cytogenetic location: 6q22.31.
Variant type: single nucleotide variant.
Coding change: c.4G>T on transcript NM_002667.5 (MANE Select); coding-DNA position 4, G replaced by T.
Protein change: p.Glu2Ter; replaces glutamic acid 2 with a stop codon.
Molecular consequence: nonsense. On other transcripts: intron variant (3).
Genome position (GRCh38, 1-based): chr6:118,558,925, G>T. VCF-style: chr6-118558925-G-T. GRCh37 (hg19) VCF-style: chr6-118880088-G-T.
Other names: c.1029+6604C>A (NM_001178035.2); c.1020+6604C>A (NM_001042475.3, NM_206921.3); short protein forms E2*.
Identifiers: ClinVar variation 3706363 (VCV003706363.2).